The following is an entry in ClinVar:

NM_007194.4(CHEK2):c.1476G>C (p.Lys492Asn)

Gene: CHEK2 (checkpoint kinase 2; minus strand). Cytogenetic location: 22q12.1.
Variant type: single nucleotide variant.
Coding change: c.1476G>C on transcript NM_007194.4 (MANE Select); coding-DNA position 1476, G replaced by C.
Protein change: p.Lys492Asn; replaces lysine 492 with asparagine.
Molecular consequence: missense variant.
Genome position (GRCh38, 1-based): chr22:28,689,201, C>G on the plus strand (G>C on the coding strand, the complement: CHEK2 is on the minus strand). VCF-style: chr22-28689201-C-G. GRCh37 (hg19) VCF-style: chr22-29085189-C-G.
Other names: c.1389G>C, p.Lys463Asn (NM_145862.3); c.1518G>C, p.Lys506Asn (NM_001438294.1); c.1482G>C, p.Lys494Asn (NM_001438295.1); c.1605G>C, p.Lys535Asn (NM_001005735.3); c.813G>C, p.Lys271Asn (NM_001257387.3, NM_001437942.1); c.1275G>C, p.Lys425Asn (NM_001349956.3); c.1569G>C, p.Lys523Asn (NM_001438293.1); short protein forms K523N, K425N, K492N, K271N, K463N, K494N, K506N, K535N.
Identifiers: ClinVar variation 4635006 (VCV004635006.1).

ClinVar aggregate classification (germline): Uncertain significance (1 of 4 stars; one submission).

Conditions:
Hereditary cancer-predisposing syndrome. Also called: Neoplastic Syndromes, Hereditary; Tumor predisposition; Hereditary Cancer Syndrome; Hereditary neoplastic syndrome. Identifiers: Orphanet 140162, MedGen C0027672, MeSH D009386, MONDO:0015356.

Submission:

Ambry Genetics
Classification: Uncertain significance for Hereditary cancer-predisposing syndrome. Last evaluated: 2025-11-30. Review status: criteria provided, single submitter. Criteria: Ambry Variant Classification Scheme 2023. Collection method: clinical testing. Allele origin: germline.
Comment: The p.K492N variant (also known as c.1476G>C), located in coding exon 13 of the CHEK2 gene, results from a G to C substitution at nucleotide position 1476. The lysine at codon 492 is replaced by asparagine, an amino acid with similar properties. This amino acid position is conserved. In addition, this alteration is predicted to be tolerated by in silico analysis. Based on the available evidence, the clinical significance of this variant remains unclear.